The following is an entry in ClinVar:

NM_033305.3(VPS13A):c.3474dup (p.Val1159fs)

Gene: VPS13A (vacuolar protein sorting 13 homolog A; plus strand). Cytogenetic location: 9q21.2.
Variant type: Duplication.
Coding change: c.3474dup on transcript NM_033305.3 (MANE Select); coding-DNA position 3474, one base duplicated (A; older notation c.3474dupA).
Protein change: p.Val1159fs; shifts the reading frame from valine 1159.
Molecular consequence: frameshift variant.
Genome position (GRCh38, 1-based): chr9:77,293,475, A duplicated. VCF-style (leftmost placement, unchanged base first): chr9-77293474-T-TA. GRCh37 (hg19) VCF-style: chr9-79908390-T-TA.
Other names: c.3357dup, p.Val1120fs (NM_001018037.2); c.3474dup, p.Val1159fs (NM_001018038.3, NM_015186.4); short protein forms V1120fs, V1159fs.
Identifiers: ClinVar variation 5012593 (VCV005012593.1).

ClinVar aggregate classification (germline): Pathogenic (1 of 4 stars; one submission).

Conditions:
VPS13A-related neurodegenerative disease. Also called: ACANTHOCYTOSIS WITH NEUROLOGIC DISORDER; LEVINE-CRITCHLEY SYNDROME; Choreoacanthocytosis; Chorea-acanthocytosis; Choreaacanthocytosis; VPS13A Disease. Identifiers: Orphanet 2388, MedGen C0393576, MONDO:0008695, OMIM 200150.

Submission:

Myriad Genetics, Inc.
Classification: Pathogenic for VPS13A-related neurodegenerative disease. Last evaluated: 2023-12-19. Review status: criteria provided, single submitter. Criteria: Myriad Autosomal Dominant, Autosomal Recessive and X-Linked Classification Criteria (2023). Collection method: clinical testing. Allele origin: unknown.
Comment: NM_033305.2(VPS13A):c.3474dupA(V1159Sfs*16) is expected to be pathogenic in the context of VPS13A disease. This variant is predicted to lead to an abnormal or absent protein product due to the creation of a premature termination codon in VPS13A, a gene where loss-of-function variants are known to be pathogenic. Please note: this variant was assessed in the context of healthy population screening.